The following is an entry in ClinVar:

ClinVar aggregate classification (germline): Uncertain significance (1 of 4 stars; one submission).

Allele frequency attached by ClinVar (database versions not stated): gnomAD exomes 0.00001; ExAC 0.00002.
gnomAD v4.1: 10 of 1,604,948 alleles (0.00062%); highest among the groups gnomAD compares: Admixed American, 0.0017%; no homozygotes.

Submission:

Labcorp Genetics (formerly Invitae), Labcorp
Classification: Uncertain significance. Last evaluated: 2022-07-12. Review status: criteria provided, single submitter. Criteria: Invitae Variant Classification Sherloc (09022015). Collection method: clinical testing. Allele origin: germline.
Comment: This sequence change replaces valine, which is neutral and non-polar, with isoleucine, which is neutral and non-polar, at codon 611 of the APC2 protein (p.Val611Ile). In summary, the available evidence is currently insufficient to determine the role of this variant in disease. Therefore, it has been classified as a Variant of Uncertain Significance. Algorithms developed to predict the effect of missense changes on protein structure and function output the following: SIFT: "Tolerated"; PolyPhen-2: "Benign"; Align-GVGD: "Class C0". The isoleucine amino acid residue is found in multiple mammalian species, which suggests that this missense change does not adversely affect protein function. This variant has not been reported in the literature in individuals affected with APC2-related conditions. This variant is present in population databases (rs766738230, gnomAD 0.003%).

NM_005883.3(APC2):c.1831G>A (p.Val611Ile)

Gene: APC2 (APC regulator of Wnt signaling pathway 2; plus strand). Cytogenetic location: 19p13.3.
Variant type: single nucleotide variant.
Coding change: c.1831G>A on transcript NM_005883.3 (MANE Select); coding-DNA position 1831, G replaced by A.
Protein change: p.Val611Ile; replaces valine 611 with isoleucine.
Molecular consequence: missense variant.
Genome position (GRCh38, 1-based): chr19:1,462,155, G>A. VCF-style: chr19-1462155-G-A. GRCh37 (hg19) VCF-style: chr19-1462154-G-A.
Other names: c.1828G>A, p.Val610Ile (NM_001351273.1); short protein forms V610I, V611I.
Identifiers: ClinVar variation 2016768 (VCV002016768.4), dbSNP rs766738230, ClinGen allele CA9045294.